The following is an entry in ClinVar:

NM_177438.3(DICER1):c.5245G>T (p.Ala1749Ser)

Gene: DICER1 (dicer 1, ribonuclease III; minus strand). Cytogenetic location: 14q32.13.
Variant type: single nucleotide variant.
Coding change: c.5245G>T on transcript NM_177438.3 (MANE Select); coding-DNA position 5245, G replaced by T.
Protein change: p.Ala1749Ser; replaces alanine 1749 with serine.
Molecular consequence: missense variant. On other transcripts: non-coding transcript variant (6).
Genome position (GRCh38, 1-based): chr14:95,094,007, C>A on the plus strand (G>T on the coding strand, the complement: DICER1 is on the minus strand). VCF-style: chr14-95094007-C-A. GRCh37 (hg19) VCF-style: chr14-95560344-C-A.
Other names: c.4840G>T, p.Ala1614Ser (NM_001395689.1, NM_001395690.1, NM_001395687.1 and 1 more transcripts); c.4678G>T, p.Ala1560Ser (NM_001395691.1); c.3562G>T, p.Ala1188Ser (NM_001395697.1); c.5245G>T, p.Ala1749Ser (NM_030621.4, NM_001195573.1, NM_001271282.3 and 8 more transcripts); c.4963G>T, p.Ala1655Ser (NM_001395686.1); short protein forms A1188S, A1560S, A1614S, A1655S, A1749S.
Identifiers: ClinVar variation 4869808 (VCV004869808.1).
Genomic context (GRCh38, chr14:95,094,007, plus strand): 5'-TGACATGGAAGAGCTCAGGAGAGACAGCTTTGAAGTACTTGTGGTAGTCGTACTTTACAG[C>A]CAGCGATGCAAAGATGGTGTTGTTGACCAGGGCAGACCGCAGGTCTGTCAGGACCCCCGG-3'
Protein context (NP_803187.1, residues 1739-1759): LVNNTIFASL[Ala1749Ser]VKYDYHKYFK

ClinVar aggregate classification (germline): Uncertain significance (1 of 4 stars; one submission).

Conditions:
Hereditary cancer-predisposing syndrome. Also called: Neoplastic Syndromes, Hereditary; Tumor predisposition; Hereditary Cancer Syndrome; Hereditary neoplastic syndrome. Identifiers: Orphanet 140162, MedGen C0027672, MeSH D009386, MONDO:0015356.

Submission:

Ambry Genetics
Classification: Uncertain significance for Hereditary cancer-predisposing syndrome. Last evaluated: 2026-05-31. Review status: criteria provided, single submitter. Criteria: Ambry Variant Classification Scheme 2023. Collection method: clinical testing. Allele origin: germline.
Comment: The p.A1749S variant (also known as c.5245G>T), located in coding exon 23 of the DICER1 gene, results from a G to T substitution at nucleotide position 5245. The alanine at codon 1749 is replaced by serine, an amino acid with similar properties. This amino acid position is conserved. In addition, the in silico prediction for this alteration is inconclusive. Based on the available evidence, the clinical significance of this variant remains unclear.